The following is an entry in ClinVar:

NM_006268.5(DPF2):c.637+541C>T

Gene: DPF2 (double PHD fingers 2; plus strand). Cytogenetic location: 11q13.1.
Variant type: single nucleotide variant.
Coding change: c.637+541C>T on transcript NM_006268.5 (MANE Select); 541 bases into the intron after coding-DNA position 637, C replaced by T.
Molecular consequence: intron variant. On other transcripts: missense variant (1).
Genome position (GRCh38, 1-based): chr11:65,344,610, C>T. VCF-style: chr11-65344610-C-T. GRCh37 (hg19) VCF-style: chr11-65112081-C-T.
Other names: c.668C>T, p.Ala223Val (NM_001330308.2); short protein forms A223V.
Identifiers: ClinVar variation 3051210 (VCV003051210.2), dbSNP rs539873389, ClinGen allele CA223956587.
Genomic context (GRCh38, chr11:65,344,610, plus strand): 5'-CTTCTCATGACTTTTCTTTCTGTCTTTCAGATAGTTTCAAACAAAAGCATACCTCGAAAG[C>T]GCCCCAGAGAGGTAGCTCTCTCAACTTTTCAGACTTGTGGTTTTCCTTTCCCTTTTTCCC-3'

ClinVar aggregate classification (germline): Likely benign (0 of 4 stars; one submission).

Conditions:
DPF2-related disorder. Also called: DPF2-related condition.

Allele frequency attached by ClinVar (database versions not stated): TOPMed 0.00001; gnomAD 0.00003; 1000 Genomes Project 30x 0.00016; 1000 Genomes Project 0.00020.
gnomAD v4.1: 11 of 1,535,996 alleles (0.00072%); highest among the groups gnomAD compares: East Asian, 0.0024%; no homozygotes.

Submission:

PreventionGenetics, part of Exact Sciences
Classification: Likely benign for DPF2-related condition. Last evaluated: 2020-01-27. Review status: no assertion criteria provided. Collection method: clinical testing. Allele origin: germline.
Comment: This variant is classified as likely benign based on ACMG/AMP sequence variant interpretation guidelines (Richards et al. 2015 PMID: 25741868, with internal and published modifications).